The following is an entry in ClinVar:

ClinVar aggregate classification (germline): Uncertain significance (1 of 4 stars; one submission).

Conditions:
Hereditary cancer-predisposing syndrome. Also called: Neoplastic Syndromes, Hereditary; Tumor predisposition; Hereditary neoplastic syndrome; Hereditary Cancer Syndrome. Identifiers: Orphanet 140162, MedGen C0027672, MeSH D009386, MONDO:0015356.

Allele frequency attached by ClinVar (database versions not stated): TOPMed below 0.00001.

Submission:

Ambry Genetics
Classification: Uncertain significance for Hereditary cancer-predisposing syndrome. Last evaluated: 2024-01-31. Review status: criteria provided, single submitter. Criteria: Ambry Variant Classification Scheme 2023. Collection method: clinical testing. Allele origin: germline.
Comment: The p.N57T variant (also known as c.170A>C), located in coding exon 1 of the GREM1 gene, results from an A to C substitution at nucleotide position 170. The asparagine at codon 57 is replaced by threonine, an amino acid with similar properties. This amino acid position is conserved. In addition, this alteration is predicted to be tolerated by in silico analysis. Based on the available evidence, the clinical significance of this alteration remains unclear.

NM_013372.7(GREM1):c.170A>C (p.Asn57Thr)

Gene: GREM1 (gremlin 1, DAN family BMP antagonist; plus strand). Cytogenetic location: 15q13.3.
Variant type: single nucleotide variant.
Coding change: c.170A>C on transcript NM_013372.7 (MANE Select); coding-DNA position 170, A replaced by C.
Protein change: p.Asn57Thr; replaces asparagine 57 with threonine.
Molecular consequence: missense variant. On other transcripts: intron variant (2).
Genome position (GRCh38, 1-based): chr15:32,730,860, A>C. VCF-style: chr15-32730860-A-C. GRCh37 (hg19) VCF-style: chr15-33023061-A-C.
Other names: c.170A>C, p.Asn57Thr (NM_001368719.1); c.114+56A>C (NM_001191323.2); c.28-68A>C (NM_001191322.2); short protein forms N57T.
Identifiers: ClinVar variation 3226251 (VCV003226251.1), dbSNP rs1567112988, ClinGen allele CA391557334.